The following is an entry in ClinVar:

ClinVar aggregate classification (germline): Conflicting classifications of pathogenicity. Review status: criteria provided, conflicting classifications (1 of 4 stars). 8 submissions from 8 submitters: Pathogenic (3); Likely pathogenic (3); Uncertain significance (1). 1 of the submissions does not count toward it. Last evaluated 2025-12-01.

Conditions:
Cardiovascular phenotype. Identifiers: MedGen CN230736.
TNNT2-related disorder. Also called: TNNT2-related condition.
Hypertrophic cardiomyopathy 2. Also called: TNNT2-Related Familial Hypertrophic Cardiomyopathy. Identifiers: MedGen C1861864, MONDO:0007266, OMIM 115195.
Dilated cardiomyopathy 1D. Identifiers: Orphanet 154, Orphanet 54260, MedGen C1832243, MONDO:0011095, OMIM 601494.
Cardiomyopathy, familial restrictive, 3. Identifiers: Orphanet 75249, MedGen C2676271, MONDO:0012900, OMIM 612422.
Primary dilated cardiomyopathy (DCM). Also called: Dilated Cardiomyopathy. Identifiers: Orphanet 217604, MedGen C0007193, MeSH D002311, MONDO:0005021, HP:0001644. Inheritance: Various modes of inheritance.

Allele frequency attached by ClinVar (database versions not stated): gnomAD exomes below 0.00001.

Submissions (8):

Labcorp Genetics (formerly Invitae), Labcorp
Classification: Pathogenic for Cardiomyopathy, familial restrictive, 3; Hypertrophic cardiomyopathy 2; Dilated cardiomyopathy 1D. Last evaluated: 2025-12-01. Review status: criteria provided, single submitter. Criteria: Invitae Variant Classification Sherloc (09022015). Collection method: clinical testing. Allele origin: germline.
Comment: This sequence change replaces arginine, which is basic and polar, with histidine, which is basic and polar, at codon 139 of the TNNT2 protein (p.Arg139His). This variant is present in population databases (rs397516466, gnomAD 0.0009%). This missense change has been observed in individual(s) with dilated cardiomyopathy (PMID: 20973921, 27532257; internal data). It has also been observed to segregate with disease in related individuals. ClinVar contains an entry for this variant (Variation ID: 43642). Invitae Evidence Modeling of protein sequence and biophysical properties (such as structural, functional, and spatial information, amino acid conservation, physicochemical variation, residue mobility, and thermodynamic stability) has been performed for this missense variant. However, the output from this modeling did not meet the statistical confidence thresholds required to predict the impact of this variant on TNNT2 protein function. Experimental studies have shown that this missense change affects TNNT2 function (PMID: 20973921). For these reasons, this variant has been classified as Pathogenic.

GeneDx
Classification: Pathogenic. Last evaluated: 2025-07-02. Review status: criteria provided, single submitter. Criteria: GeneDx Variant Classification Process June 2021. Collection method: clinical testing. Allele origin: germline. Affected: yes.
Comment: Identified in patients with DCM referred for genetic testing at GeneDx and in published literature, including some individuals with additional variants in other cardiac related genes (PMID: 27532257, 33906374, 31521807, 20973921); Published functional studies demonstrate a decrease in calcium sensitivity, damaging protein function (PMID: 20973921); Not observed at significant frequency in large population cohorts (gnomAD); In silico analysis supports that this missense variant has a deleterious effect on protein structure/function; This variant is associated with the following publications: (PMID: 37652022, 20973921, 29367539, 28352236, 21310275, 33019804, 32880476, 24503780, 33500567, 33906374, 31521807, 27532257, 24721642, 35026164)

Ambry Genetics
Classification: Likely pathogenic for Cardiovascular phenotype. Last evaluated: 2025-01-25. Review status: criteria provided, single submitter. Criteria: Ambry Variant Classification Scheme 2023. Collection method: clinical testing. Allele origin: germline.
Comment: The p.R139H variant (also known as c.416G>A), located in coding exon 9 of the TNNT2 gene, results from a G to A substitution at nucleotide position 416. The arginine at codon 139 is replaced by histidine, an amino acid with highly similar properties. This variant was identified in one or more individuals with features consistent with dilated cardiomyopathy (DCM) and segregated with disease in at least one family (Morales A et al. Clin Transl Sci, 2010 Oct;3:219-26; Walsh R et al. Genet Med, 2017 Feb;19:192-203; Li Z et al. Heart Rhythm, 2020 Feb;17:305-312; Verdonschot JAJ et al. Circ Genom Precis Med, 2020 Oct;13:476-487; Ware SM et al. Am J Hum Genet, 2022 Feb;109:282-298). Additionally, an in vitro study indicated this alteration may impact calcium sensitization (Morales A et al. Clin Transl Sci, 2010 Oct;3:219-26). This variant is considered to be rare based on population cohorts in the Genome Aggregation Database (gnomAD). This amino acid position is highly conserved in available vertebrate species. In addition, this alteration is predicted to be deleterious by in silico analysis. Based on the majority of available evidence to date, this variant is likely to be pathogenic.

Laboratory for Molecular Medicine, Mass General Brigham Personalized Medicine
Classification: Likely pathogenic for Primary dilated cardiomyopathy. Last evaluated: 2023-02-07. Review status: criteria provided, single submitter. Criteria: ACMG Guidelines, 2015. Collection method: clinical testing. Allele origin: germline. Inheritance: Autosomal dominant inheritance.
Comment: The p.Arg139His variant in TNNT2 has been reported in at least 8 individuals with dilated cardiomyopathy (DCM), including 2 infants, and segregated with disease in at least 8 affected relatives from 2 families. However, this variant has also been found in unaffected relatives (in some individuals in their 50s) and in unaffected parents of infants with DCM (Morales 2010 PMID: 20973921, Millat 2014 PMID: 24721642, Li 2020 PMID: 31521807, Hey 2020 PMID: 33019804, Verdonschot 2020 PMID: 32880476, Ware 2021 PMID: 33906374, LMM data). This variant has also been reported by other clinical laboratories in ClinVar (Variation ID 43642) and has been identified in 0.00088% (1/113310) of European chromosomes by gnomAD (v.3.1.2). In vitro functional studies provide some evidence that this variant impacts protein function (Morales 2010 PMID: 20973921), and computational prediction tools and conservation analyses suggest that this variant may impact the protein. Another variant involving this codon (p.Arg139Cys) has been identified in individuals with DCM. In summary, although additional studies are required to fully establish its clinical significance, this variant meets criteria to be classified as likely pathogenic for autosomal dominant DCM. ACMG/AMP Criteria applied: PS4_Moderate, PP1_Moderate, PM2_Supporting, PP3, PS3_Supporting.

Blueprint Genetics
Classification: Likely pathogenic for TNNT2-related disorders. Last evaluated: 2020-11-11. Review status: criteria provided, single submitter. Criteria: ACMG Guidelines, 2015. Collection method: clinical testing. Allele origin: germline. Affected: yes. Observed: 3 variant alleles.

Women's Health and Genetics/Laboratory Corporation of America, LabCorp
Classification: Uncertain significance. Last evaluated: 2019-04-08. Review status: criteria provided, single submitter. Criteria: LabCorp Variant Classification Summary - May 2015. Collection method: clinical testing. Allele origin: germline.
Comment: Variant summary: TNNT2 c.416G>A (p.Arg139His) results in a non-conservative amino acid change in the encoded protein sequence. Five of five in-silico tools predict a damaging effect of the variant on protein function. The variant allele was found at a frequency of 4.1e-06 in 244976 control chromosomes. The available data on variant occurrences in the general population are insufficient to allow any conclusion about variant significance. c.416G>A has been reported in the literature in individuals affected with Cardiomyopathy (Morales_2010, Pugh_2014, Walsh_2017). The initial publication by Morales et al (2010), reported the presence of this variant in cis with another intronic TNNT2 variant (c.690-6G>A) that the authors considered to be of unknown significance. However the estimated penetrance of Cardiomyopathy (0.33) due to this variant appears to be lower than expected (0.4), as the variant was also identified in the unaffected offspring of the proband with the same TNNT2 genotype (Morales_2010). Therefore, no conclusions can be drawn from these data. At least one publication reports experimental evidence evaluating an impact on protein function. The most pronounced variant effect results in >50%-90% of normal activity in measures of maximal force of recovery in addition to desensitization of myofilaments to calcium at pH 6.5. However, the authors conclude that a 20% reduction in maximal force recovery represents a significant finding sufficient to explain the pathophysiology of late onset DCM brought on by fatty inflitration of the right ventricle (Morales_2010). Additional independent confirmation of these functional findings is awaited. Two clinical diagnostic laboratories have submitted clinical-significance assessments for this variant to ClinVar after 2014 without evidence for independent evaluation. One laboratory classified the variant as likely pathogenic, and one laboratory classified the variant as uncertain significance. Based on the evidence outlined above, the variant was classified as uncertain significance.

Neuberg Centre For Genomic Medicine, NCGM
Classification: Pathogenic for Dilated cardiomyopathy 1D. Review status: criteria provided, single submitter. Criteria: ACMG Guidelines, 2015. Collection method: clinical testing. Allele origin: germline. Inheritance: Autosomal dominant inheritance. Affected: yes.
Comment: The observed missense variant c.446G>A(p.Arg149His) in TNNT2 gene has been reported previously in heterozygous state in individuals with cardiomyopathies (Millat G, et al., 2014, Morales A, et al., 2010). Experimental studies have shown that this missense change affects TNNT2 function (Morales A, et al., 2010). The c.446G>A variant is reported with 0.0004% allele frequency in gnomAD Exomes. This variant has been reported to the ClinVar database as Pathogenic/Likely Pathogenic/Uncertain Significance. The variant is predicted to be damaging by SIFT. The amino acid Arginine at position 149 is changed to a Histidine changing protein sequence and it might alter its composition and physico-chemical properties. The amino acid change p.Arg149His in TNNT2 is predicted as conserved by GERP++ and PhyloP across 100 vertebrates. For these reasons, this variant has been classified as Pathogenic.

Clinical Genetics Laboratory, University Hospital Schleswig-Holstein
Classification: Likely pathogenic for Dilated cardiomyopathy 1D; Hypertrophic cardiomyopathy 2. Last evaluated: 2024-06-07. Review status: no assertion criteria provided. Collection method: clinical testing. Allele origin: germline. Affected: yes. Not counted in ClinVar's aggregate classification.

Literature cited by the submitters: PubMed 20973921 (cited by 4 submitters); PubMed 27532257 (cited by 3 submitters); PubMed 31521807 (cited by Ambry Genetics and Laboratory for Molecular Medicine, Mass General Brigham Personalized Medicine); PubMed 32880476 (cited by Ambry Genetics and Laboratory for Molecular Medicine, Mass General Brigham Personalized Medicine); PubMed 33906374 (cited by Ambry Genetics and Laboratory for Molecular Medicine, Mass General Brigham Personalized Medicine); PubMed 35026164 (cited by Ambry Genetics); PubMed 33019804 (cited by Laboratory for Molecular Medicine, Mass General Brigham Personalized Medicine); PubMed 24721642 (cited by Laboratory for Molecular Medicine, Mass General Brigham Personalized Medicine and Women's Health and Genetics/Laboratory Corporation of America, LabCorp); PubMed 24503780 (cited by Women's Health and Genetics/Laboratory Corporation of America, LabCorp).

NM_001276345.2(TNNT2):c.446G>A (p.Arg149His)

Gene: TNNT2 (troponin T2, cardiac type; minus strand). Cytogenetic location: 1q32.1.
Variant type: single nucleotide variant.
Coding change: c.446G>A on transcript NM_001276345.2 (MANE Select); coding-DNA position 446, G replaced by A.
Protein change: p.Arg149His; replaces arginine 149 with histidine.
Molecular consequence: missense variant.
Genome position (GRCh38, 1-based): chr1:201,364,341, C>T on the plus strand (G>A on the coding strand, the complement: TNNT2 is on the minus strand). VCF-style: chr1-201364341-C-T. GRCh37 (hg19) VCF-style: chr1-201333469-C-T.
Other names: p.R139H:CGC>CAC; c.446G>A, p.Arg149His (NM_000364.4); c.416G>A, p.Arg139His (NM_001001430.3, NM_001001431.3, NM_001276347.2); c.401G>A, p.Arg134His (NM_001001432.3); c.326G>A, p.Arg109His (NM_001276346.2); short protein forms R139H, R149H, R134H, R109H.
Identifiers: ClinVar variation 43642 (VCV000043642.27), dbSNP rs397516466, ClinGen allele CA004513.